The following is an entry in ClinVar:

NM_001145809.2(MYH14):c.3247C>T (p.Leu1083Phe)

Gene: MYH14 (myosin heavy chain 14; plus strand). Cytogenetic location: 19q13.33.
Variant type: single nucleotide variant.
Coding change: c.3247C>T on transcript NM_001145809.2 (MANE Select); coding-DNA position 3247, C replaced by T.
Protein change: p.Leu1083Phe; replaces leucine 1083 with phenylalanine.
Molecular consequence: missense variant.
Genome position (GRCh38, 1-based): chr19:50,271,924, C>T. VCF-style: chr19-50271924-C-T. GRCh37 (hg19) VCF-style: chr19-50775181-C-T.
Other names: c.3148C>T, p.Leu1050Phe (NM_001077186.2); c.3124C>T, p.Leu1042Phe (NM_024729.4); c.3124C>T (NM_024729.3); short protein forms L1042F, L1050F, L1083F.
Identifiers: ClinVar variation 2629494 (VCV002629494.4), dbSNP rs375259445, ClinGen allele CA9593159.

ClinVar aggregate classification (germline): Uncertain significance. Review status: criteria provided, multiple submitters, no conflicts (2 of 4 stars). 3 submissions from 3 submitters: Uncertain significance (3). Last evaluated 2026-05-04.

Conditions:
MYH14-related disorder. Also called: MYH14-related condition.

Allele frequency attached by ClinVar (database versions not stated): ExAC 0.00001; gnomAD 0.00001; TOPMed 0.00001; ESP Exome Variant Server 0.00008.
gnomAD v4.1: 2 of 1,612,256 alleles (0.00012%); highest among the groups gnomAD compares: Non-Finnish European, 0.00017%; no homozygotes.

Submissions (3):

PreventionGenetics, part of Exact Sciences
Classification: Uncertain significance for MYH14-related condition. Last evaluated: 2026-05-04. Review status: criteria provided, single submitter. Criteria: ACMG Guidelines, 2015. Collection method: clinical testing. Allele origin: germline.
Comment: The MYH14 c.3247C>T variant is predicted to result in the amino acid substitution p.Leu1083Phe. To our knowledge, this variant has not been reported in the literature. This variant is reported in 0.0018% of alleles in individuals of European (Non-Finnish) descent in gnomAD. At this time, the clinical significance of this variant is uncertain due to the absence of conclusive functional and genetic evidence.

GeneDx
Classification: Uncertain significance. Last evaluated: 2026-02-10. Review status: criteria provided, single submitter. Criteria: GeneDx Variant Classification Process June 2021. Collection method: clinical testing. Allele origin: germline.
Comment: Not observed at significant frequency in large population cohorts (gnomAD); In silico analysis supports that this missense variant has a deleterious effect on protein structure/function; Has not been previously published as pathogenic or benign to our knowledge

Labcorp Genetics (formerly Invitae), Labcorp
Classification: Uncertain significance. Last evaluated: 2026-01-03. Review status: criteria provided, single submitter. Criteria: Invitae Variant Classification Sherloc (09022015). Collection method: clinical testing. Allele origin: germline.
Comment: This sequence change replaces leucine, which is neutral and non-polar, with phenylalanine, which is neutral and non-polar, at codon 1042 of the MYH14 protein (p.Leu1042Phe). This variant is present in population databases (rs375259445, gnomAD 0.002%). This variant has not been reported in the literature in individuals affected with MYH14-related conditions. ClinVar contains an entry for this variant (Variation ID: 2629494). Invitae Evidence Modeling of protein sequence and biophysical properties (such as structural, functional, and spatial information, amino acid conservation, physicochemical variation, residue mobility, and thermodynamic stability) indicates that this missense variant is expected to disrupt MYH14 protein function with a positive predictive value of 80%. In summary, the available evidence is currently insufficient to determine the role of this variant in disease. Therefore, it has been classified as a Variant of Uncertain Significance.